The following is an entry in ClinVar:

NM_001035.3(RYR2):c.8801A>C (p.Asp2934Ala)

Gene: RYR2 (ryanodine receptor 2; plus strand). Cytogenetic location: 1q43.
Variant type: single nucleotide variant.
Coding change: c.8801A>C on transcript NM_001035.3 (MANE Select); coding-DNA position 8801, A replaced by C.
Protein change: p.Asp2934Ala; replaces aspartic acid 2934 with alanine.
Molecular consequence: missense variant.
Genome position (GRCh38, 1-based): chr1:237,674,817, A>C. VCF-style: chr1-237674817-A-C. GRCh37 (hg19) VCF-style: chr1-237838117-A-C.
Other names: short protein forms D2934A.
Identifiers: ClinVar variation 4700355 (VCV004700355.1).

ClinVar aggregate classification (germline): Uncertain significance (1 of 4 stars; one submission).

Conditions:
Catecholaminergic polymorphic ventricular tachycardia 1. Also called: RYR2-Related Catecholaminergic Polymorphic Ventricular Tachycardia; VENTRICULAR TACHYCARDIA, CATECHOLAMINERGIC POLYMORPHIC, 1, WITH OR WITHOUT ATRIAL DYSFUNCTION AND/OR DILATED CARDIOMYOPATHY; VENTRICULAR TACHYCARDIA, STRESS-INDUCED POLYMORPHIC 1. Identifiers: Orphanet 3286, MedGen C1631597, MONDO:0011484, OMIM 604772.

Submission:

Labcorp Genetics (formerly Invitae), Labcorp
Classification: Uncertain significance for Catecholaminergic polymorphic ventricular tachycardia 1. Last evaluated: 2025-11-23. Review status: criteria provided, single submitter. Criteria: Invitae Variant Classification Sherloc (09022015). Collection method: clinical testing. Allele origin: germline.
Comment: This sequence change replaces aspartic acid, which is acidic and polar, with alanine, which is neutral and non-polar, at codon 2934 of the RYR2 protein (p.Asp2934Ala). This variant is not present in population databases (gnomAD no frequency). This variant has not been reported in the literature in individuals affected with RYR2-related conditions. Invitae Evidence Modeling of protein sequence and biophysical properties (such as structural, functional, and spatial information, amino acid conservation, physicochemical variation, residue mobility, and thermodynamic stability) indicates that this missense variant is expected to disrupt RYR2 protein function with a positive predictive value of 95%. In summary, the available evidence is currently insufficient to determine the role of this variant in disease. Therefore, it has been classified as a Variant of Uncertain Significance.